The following is an entry in ClinVar:

NM_003239.5(TGFB3):c.1124C>A (p.Ser375Ter)

Gene: TGFB3 (transforming growth factor beta 3; minus strand). Cytogenetic location: 14q24.3.
Variant type: single nucleotide variant.
Coding change: c.1124C>A on transcript NM_003239.5 (MANE Select); coding-DNA position 1124, C replaced by A.
Protein change: p.Ser375Ter; replaces serine 375 with a stop codon.
Molecular consequence: nonsense.
Genome position (GRCh38, 1-based): chr14:75,959,302, G>T on the plus strand (C>A on the coding strand, the complement: TGFB3 is on the minus strand). VCF-style: chr14-75959302-G-T. GRCh37 (hg19) VCF-style: chr14-76425645-G-T.
Other names: c.1124C>A, p.Ser375Ter (NM_001329939.2); short protein forms S375*.
Identifiers: ClinVar variation 3455817 (VCV003455817.1).

ClinVar aggregate classification (germline): Likely pathogenic (1 of 4 stars; one submission).

Conditions:
Familial thoracic aortic aneurysm and aortic dissection (TAAD). Also called: Thoracic aortic aneurysms and dissections. Identifiers: Orphanet 91387, MedGen C4707243, MONDO:0019625.

Submission:

Ambry Genetics
Classification: Likely pathogenic for Familial thoracic aortic aneurysm and aortic dissection. Last evaluated: 2024-11-27. Review status: criteria provided, single submitter. Criteria: Ambry Variant Classification Scheme 2023. Collection method: clinical testing. Allele origin: germline.
Comment: The p.S375* variant (also known as c.1124C>A), located in coding exon 7 of the TGFB3 gene, results from a C to A substitution at nucleotide position 1124. This changes the amino acid from a serine to a stop codon within coding exon 7. This alteration occurs at the 3' terminus of theTGFB3 gene, is not expected to trigger nonsense-mediated mRNA decay, and only impacts the last 9% of the protein. However, premature stop codons are typically deleterious in nature and the impacted region is critical for protein function (Ambry internal data). This variant is considered to be rare based on population cohorts in the Genome Aggregation Database (gnomAD). Based on the majority of available evidence to date, this variant is likely to be pathogenic.